The following is an entry in ClinVar:

ClinVar aggregate classification (germline): Uncertain significance (1 of 4 stars; one submission).

Conditions:
LAMA2-related muscular dystrophy (LAMA2-RD). Also called: Laminin alpha 2-related dystrophy. Identifiers: MedGen C5679788, MONDO:0100228.

Submission:

Labcorp Genetics (formerly Invitae), Labcorp
Classification: Uncertain significance for LAMA2-related muscular dystrophy. Last evaluated: 2021-10-14. Review status: criteria provided, single submitter. Criteria: Invitae Variant Classification Sherloc (09022015). Collection method: clinical testing. Allele origin: germline.
Comment: Algorithms developed to predict the effect of missense changes on protein structure and function are either unavailable or do not agree on the potential impact of this missense change (SIFT: "Deleterious"; PolyPhen-2: "Probably Damaging"; Align-GVGD: "Class C0"). This sequence change replaces proline with threonine at codon 1034 of the LAMA2 protein (p.Pro1034Thr). The proline residue is highly conserved and there is a small physicochemical difference between proline and threonine. This variant is not present in population databases (ExAC no frequency). This variant has not been reported in the literature in individuals affected with LAMA2-related conditions. In summary, the available evidence is currently insufficient to determine the role of this variant in disease. Therefore, it has been classified as a Variant of Uncertain Significance.

NM_000426.4(LAMA2):c.3100C>A (p.Pro1034Thr)

Gene: LAMA2 (laminin subunit alpha 2; plus strand). Cytogenetic location: 6q22.33.
Variant type: single nucleotide variant.
Coding change: c.3100C>A on transcript NM_000426.4 (MANE Select); coding-DNA position 3100, C replaced by A.
Protein change: p.Pro1034Thr; replaces proline 1034 with threonine.
Molecular consequence: missense variant.
Genome position (GRCh38, 1-based): chr6:129,300,798, C>A. VCF-style: chr6-129300798-C-A. GRCh37 (hg19) VCF-style: chr6-129621943-C-A.
Other names: c.3100C>A, p.Pro1034Thr (NM_001079823.2); short protein forms P1034T.
Identifiers: ClinVar variation 1348285 (VCV001348285.6), dbSNP rs1773501159, ClinGen allele CA365611445.